The following is an entry in ClinVar:

NM_021729.6(VPS11):c.71A>G (p.Asn24Ser)

Gene: VPS11 (VPS11 core subunit of CORVET and HOPS complexes; plus strand). Cytogenetic location: 11q23.3.
Variant type: single nucleotide variant.
Coding change: c.71A>G on transcript NM_021729.6 (MANE Select); coding-DNA position 71, A replaced by G.
Protein change: p.Asn24Ser; replaces asparagine 24 with serine.
Molecular consequence: missense variant. On other transcripts: non-coding transcript variant (8), 5 prime UTR variant (1).
Genome position (GRCh38, 1-based): chr11:119,067,894, A>G. VCF-style: chr11-119067894-A-G. GRCh37 (hg19) VCF-style: chr11-118938605-A-G.
Other names: c.-175A>G (NM_001290185.2); c.71A>G, p.Asn24Ser (NM_001378218.1, NM_001378219.1, NM_001378220.1); short protein forms N24S.
Identifiers: ClinVar variation 3677470 (VCV003677470.2).
Genomic context (GRCh38, chr11:119,067,894, plus strand): 5'-ACCTGCAGTGGCGGCGCTTCGTTTTCTTCGACAAGGAGCTGGTGAAGGAGCCGCTGAGCA[A>G]TGATGGGGCCGCTCCCGGGGCCACACCTGCTTCTGGATCCGCTGCTTCCAAGTTCCTTTG-3'
Protein context (NP_068375.3, residues 14-34): DKELVKEPLS[Asn24Ser]DGAAPGATPA

ClinVar aggregate classification (germline): Uncertain significance (1 of 4 stars; one submission).

Submission:

Labcorp Genetics (formerly Invitae), Labcorp
Classification: Uncertain significance. Last evaluated: 2024-10-27. Review status: criteria provided, single submitter. Criteria: Invitae Variant Classification Sherloc (09022015). Collection method: clinical testing. Allele origin: germline.
Comment: This sequence change replaces asparagine, which is neutral and polar, with serine, which is neutral and polar, at codon 24 of the VPS11 protein (p.Asn24Ser). This variant is present in population databases (no rsID available, gnomAD 0.004%). This variant has not been reported in the literature in individuals affected with VPS11-related conditions. Invitae Evidence Modeling of protein sequence and biophysical properties (such as structural, functional, and spatial information, amino acid conservation, physicochemical variation, residue mobility, and thermodynamic stability) indicates that this missense variant is not expected to disrupt VPS11 protein function with a negative predictive value of 80%. In summary, the available evidence is currently insufficient to determine the role of this variant in disease. Therefore, it has been classified as a Variant of Uncertain Significance.